The following is an entry in ClinVar:

ClinVar aggregate classification (germline): Likely benign. Review status: criteria provided, multiple submitters, no conflicts (2 of 4 stars). 2 submissions from 2 submitters: Likely benign (2). Last evaluated 2025-08-01.

Allele frequency attached by ClinVar (database versions not stated): TOPMed below 0.00001; gnomAD exomes 0.00001; ExAC 0.00002; ESP Exome Variant Server 0.00008.
gnomAD v4.1: 5 of 1,614,190 alleles (0.00031%); highest among the groups gnomAD compares: East Asian, 0.0022%; no homozygotes.

Submissions (2):

CeGaT Center for Human Genetics Tuebingen
Classification: Likely benign. Last evaluated: 2025-08-01. Review status: criteria provided, single submitter. Criteria: CeGaT Center For Human Genetics Tuebingen Variant Classification Criteria Version 2. Collection method: clinical testing. Allele origin: germline. Affected: yes. Observed: 1 variant allele.
Comment: ADNP: BP4

Labcorp Genetics (formerly Invitae), Labcorp
Classification: Likely benign. Last evaluated: 2024-10-24. Review status: criteria provided, single submitter. Criteria: Invitae Variant Classification Sherloc (09022015). Collection method: clinical testing. Allele origin: germline.

NM_001282531.3(ADNP):c.2215C>T (p.Pro739Ser)

Gene: ADNP (activity dependent neuroprotector homeobox; minus strand). Cytogenetic location: 20q13.13.
Variant type: single nucleotide variant.
Coding change: c.2215C>T on transcript NM_001282531.3 (MANE Select); coding-DNA position 2215, C replaced by T.
Protein change: p.Pro739Ser; replaces proline 739 with serine.
Molecular consequence: missense variant.
Genome position (GRCh38, 1-based): chr20:50,892,499, G>A on the plus strand (C>T on the coding strand, the complement: ADNP is on the minus strand). VCF-style: chr20-50892499-G-A. GRCh37 (hg19) VCF-style: chr20-49509036-G-A.
Other names: c.2215C>T, p.Pro739Ser (NM_001282532.2, NM_001347511.2, NM_015339.5 and 1 more transcripts); short protein forms P739S.
Identifiers: ClinVar variation 2072396 (VCV002072396.12), dbSNP rs370143082, ClinGen allele CA9908623.
Genomic context (GRCh38, chr20:50,892,499, plus strand): 5'-GACCCTTGGGGTCTAAAGCTAAAACAACAGGCTCTTCAGGCTTCTCTTCAAAGAAGCTGG[G>A]TGAATCACTATCATCATCTAACTTTCGTTTTTTCAGTAAGGGAAATTCCATTTGCTCGTA-3'
Protein context (NP_001269460.1, residues 729-749): KRKLDDDSDS[Pro739Ser]SFFEEKPEEP